The following is an entry in ClinVar:

NM_001166114.2(PNPLA6):c.1968C>A (p.Cys656Ter)

Gene: PNPLA6 (patatin like domain 6, lysophospholipase; plus strand). Cytogenetic location: 19p13.2.
Variant type: single nucleotide variant.
Coding change: c.1968C>A on transcript NM_001166114.2 (MANE Select); coding-DNA position 1968, C replaced by A.
Protein change: p.Cys656Ter; replaces cysteine 656 with a stop codon.
Molecular consequence: nonsense.
Genome position (GRCh38, 1-based): chr19:7,550,538, C>A. VCF-style: chr19-7550538-C-A. GRCh37 (hg19) VCF-style: chr19-7615424-C-A.
Other names: c.1995C>A, p.Cys665Ter (NM_001166111.2); c.1773C>A, p.Cys591Ter (NM_001166112.2); c.1851C>A, p.Cys617Ter (NM_001166113.1, NM_006702.5); short protein forms C591*, C617*, C656*, C665*.
Identifiers: ClinVar variation 2064887 (VCV002064887.4), dbSNP rs2512534808, ClinGen allele CA403123269.
Genomic context (GRCh38, chr19:7,550,538, plus strand): 5'-GGGGGTGGTCAGACCTTGCTGACCTCCACGCCCACTCAGGCAGGGCGACCGCTCCGACTG[C>A]ACTTACATCGTGCTCAATGGGCGGCTGCGTAGCGTGATCCAGCGAGGCAGTGGCAAGAAG-3'

ClinVar aggregate classification (germline): Pathogenic (1 of 4 stars; one submission).

Conditions:
Hereditary spastic paraplegia 39 (SPG39). Also called: Spastic Paraplegia Type 39 (SPG39); SPASTIC PARAPLEGIA 39, AUTOSOMAL RECESSIVE. Identifiers: Orphanet 139480, MedGen C2677586, MONDO:0012787, OMIM 612020.

Submission:

Labcorp Genetics (formerly Invitae), Labcorp
Classification: Pathogenic for Hereditary spastic paraplegia 39. Last evaluated: 2021-12-29. Review status: criteria provided, single submitter. Criteria: Invitae Variant Classification Sherloc (09022015). Collection method: clinical testing. Allele origin: germline.
Comment: For these reasons, this variant has been classified as Pathogenic. This variant has not been reported in the literature in individuals affected with PNPLA6-related conditions. This variant is not present in population databases (gnomAD no frequency). This sequence change creates a premature translational stop signal (p.Cys617*) in the PNPLA6 gene. It is expected to result in an absent or disrupted protein product. Loss-of-function variants in PNPLA6 are known to be pathogenic (PMID: 24355708).

Literature cited by the submitters: PubMed 24355708.